The following is an entry in ClinVar:

ClinVar aggregate classification (germline): Uncertain significance (1 of 4 stars; one submission).

Conditions:
Myopathy, tubular aggregate, 2 (TAM2). Identifiers: MedGen C4014557, MONDO:0014383, OMIM 615883.
Combined immunodeficiency due to ORAI1 deficiency. Also called: IMMUNODEFICIENCY 9. Identifiers: Orphanet 169090, Orphanet 317428, MedGen C2748568, MONDO:0013007, OMIM 612782.

Submission:

Labcorp Genetics (formerly Invitae), Labcorp
Classification: Uncertain significance for Myopathy, tubular aggregate, 2; Combined immunodeficiency due to ORAI1 deficiency. Last evaluated: 2023-11-08. Review status: criteria provided, single submitter. Criteria: Invitae Variant Classification Sherloc (09022015). Collection method: clinical testing. Allele origin: germline.
Comment: This sequence change creates a premature translational stop signal (p.Pro47Argfs*51) in the ORAI1 gene. However, it is currently unclear if variants that occur in this region of the gene cause disease. This variant is not present in population databases (gnomAD no frequency). This variant has not been reported in the literature in individuals affected with ORAI1-related conditions. Experimental studies and prediction algorithms are not available or were not evaluated, and the functional significance of this variant is currently unknown. In summary, the available evidence is currently insufficient to determine the role of this variant in disease. Therefore, it has been classified as a Variant of Uncertain Significance.

NM_032790.4(ORAI1):c.131_132insGCCGCCGCGGGGACGGGGAGCCCCCGGGGGC (p.Pro47fs)

Genes: ORAI1 (ORAI calcium release-activated calcium modulator 1; plus strand), LOC130008987 (ATAC-STARR-seq lymphoblastoid silent region 4981; plus strand). Cytogenetic location: 12q24.31.
Variant type: Microsatellite.
Coding change: c.131_132insGCCGCCGCGGGGACGGGGAGCCCCCGGGGGC on transcript NM_032790.4 (MANE Select); coding-DNA positions 131 to 132, GCCGCCGCGGGGACGGGGAGCCCCCGGGGGC inserted.
Protein change: p.Pro47fs; shifts the reading frame from proline 47.
Molecular consequence: frameshift variant. On other transcripts: non-coding transcript variant (1).
Genome position: GRCh38, VCF-style position (the base before the change): chr12:121,626,877. GRCh37 (hg19), VCF-style position (the base before the change): chr12:122,064,783.
Other names: short protein forms P47fs.
Identifiers: ClinVar variation 2948849 (VCV002948849.3), dbSNP rs782510098.
Genomic context (GRCh38, chr12:121,626,877, plus strand): 5'-CGGCAGCCGCCGGAGCCGCCGCCGCAGCGGGGACGGGGAGCCCCCGGGGGCCCCGCCCCG[C>CCGCCGCCGCGGGGACGGGGAGCCCCCGGGGG]CACCGCCGCCGTCCGCCGTCACCTACCCGGACTGGATCGGCCAGAGTTACTCCGAGGTGA-3'